The following is an entry in ClinVar:

NM_173689.7(CRB2):c.836G>T (p.Arg279Leu)

Gene: CRB2 (crumbs cell polarity complex component 2; plus strand). Cytogenetic location: 9q33.3.
Variant type: single nucleotide variant.
Coding change: c.836G>T on transcript NM_173689.7 (MANE Select); coding-DNA position 836, G replaced by T.
Protein change: p.Arg279Leu; replaces arginine 279 with leucine.
Molecular consequence: missense variant.
Genome position (GRCh38, 1-based): chr9:123,367,253, G>T. VCF-style: chr9-123367253-G-T. GRCh37 (hg19) VCF-style: chr9-126129532-G-T.
Other names: short protein forms R279L.
Identifiers: ClinVar variation 4806010 (VCV004806010.1).

ClinVar aggregate classification (germline): Uncertain significance (1 of 4 stars; one submission).

gnomAD v4.1: 6 of 1,596,802 alleles (0.00038%); highest among the groups gnomAD compares: Non-Finnish European, 0.00042%; no homozygotes.

Submission:

Labcorp Genetics (formerly Invitae), Labcorp
Classification: Uncertain significance. Last evaluated: 2026-01-22. Review status: criteria provided, single submitter. Criteria: Invitae Variant Classification Sherloc (09022015). Collection method: clinical testing. Allele origin: germline.
Comment: This sequence change replaces arginine, which is basic and polar, with leucine, which is neutral and non-polar, at codon 279 of the CRB2 protein (p.Arg279Leu). This variant is present in population databases (rs536555517, gnomAD 0.006%). This variant has not been reported in the literature in individuals affected with CRB2-related conditions. Invitae Evidence Modeling of protein sequence and biophysical properties (such as structural, functional, and spatial information, amino acid conservation, physicochemical variation, residue mobility, and thermodynamic stability) indicates that this missense variant is not expected to disrupt CRB2 protein function with a negative predictive value of 95%. In summary, the available evidence is currently insufficient to determine the role of this variant in disease. Therefore, it has been classified as a Variant of Uncertain Significance.